The following is an entry in ClinVar:

NM_001018111.3(PODXL):c.811G>T (p.Val271Phe)

Gene: PODXL (podocalyxin like; minus strand). Cytogenetic location: 7q32.3.
Variant type: single nucleotide variant.
Coding change: c.811G>T on transcript NM_001018111.3 (MANE Select); coding-DNA position 811, G replaced by T.
Protein change: p.Val271Phe; replaces valine 271 with phenylalanine.
Molecular consequence: missense variant.
Genome position (GRCh38, 1-based): chr7:131,509,577, C>A on the plus strand (G>T on the coding strand, the complement: PODXL is on the minus strand). VCF-style: chr7-131509577-C-A. GRCh37 (hg19) VCF-style: chr7-131194336-C-A.
Other names: c.715G>T, p.Val239Phe (NM_005397.4); short protein forms V239F, V271F.
Identifiers: ClinVar variation 3638191 (VCV003638191.2).
Genomic context (GRCh38, chr7:131,509,577, plus strand): 5'-AAGGGGCCGTAGAGCTGGCTGGCATCTGACTGGAGGTCTGTTGAGTTCTTTGCGAGATAA[C>A]CGATGACGCTGTCATTGGGAAAACGAGGGTAATGAGAAAAGATGAGTGCACCCTTGCGAG-3'
Protein context (NP_001018121.1, residues 261-281): SQSAGITASS[Val271Phe]ISQRTQQTSS

ClinVar aggregate classification (germline): Uncertain significance (1 of 4 stars; one submission).

Submission:

Labcorp Genetics (formerly Invitae), Labcorp
Classification: Uncertain significance. Last evaluated: 2024-04-10. Review status: criteria provided, single submitter. Criteria: Invitae Variant Classification Sherloc (09022015). Collection method: clinical testing. Allele origin: germline.
Comment: This sequence change replaces valine, which is neutral and non-polar, with phenylalanine, which is neutral and non-polar, at codon 239 of the PODXL protein (p.Val239Phe). This variant is present in population databases (no rsID available, gnomAD 0.01%). This variant has not been reported in the literature in individuals affected with PODXL-related conditions. An algorithm developed to predict the effect of missense changes on protein structure and function (PolyPhen-2) suggests that this variant is likely to be disruptive. In summary, the available evidence is currently insufficient to determine the role of this variant in disease. Therefore, it has been classified as a Variant of Uncertain Significance.